The following is an entry in ClinVar:

NM_015937.6(PIGT):c.918C>T (p.Asp306=)

Gene: PIGT (phosphatidylinositol glycan anchor biosynthesis class T; plus strand). Cytogenetic location: 20q13.12.
Variant type: single nucleotide variant.
Coding change: c.918C>T on transcript NM_015937.6 (MANE Select); coding-DNA position 918, C replaced by T.
Protein change: p.Asp306=; no amino-acid change (aspartic acid 306 retained).
Molecular consequence: synonymous variant. On other transcripts: non-coding transcript variant (5).
Genome position (GRCh38, 1-based): chr20:45,420,578, C>T. VCF-style: chr20-45420578-C-T. GRCh37 (hg19) VCF-style: chr20-44049218-C-T.
Other names: c.750C>T, p.Asp250= (NM_001184728.3); c.918C>T, p.Asp306= (NM_001184729.3); c.612C>T, p.Asp204= (NM_001184730.3).
Identifiers: ClinVar variation 714586 (VCV000714586.27), dbSNP rs145469946, ClinGen allele CA9878106.

ClinVar aggregate classification (germline): Likely benign. Review status: criteria provided, multiple submitters, no conflicts (2 of 4 stars). 3 submissions from 3 submitters: Likely benign (3). Last evaluated 2026-09-01.

Conditions:
Multiple congenital anomalies-hypotonia-seizures syndrome 3 (MCAHS3). Also called: GLYCOSYLPHOSPHATIDYLINOSITOL BIOSYNTHESIS DEFECT 7. Identifiers: Orphanet 369837, MedGen C3809356, MONDO:0014165, OMIM 615398.

Allele frequency attached by ClinVar (database versions not stated): 1000 Genomes Project 0.00020; 1000 Genomes Project 30x 0.00031; gnomAD 0.00068 and 0.00071; gnomAD exomes 0.00068 and 0.00099; ExAC 0.00075; TOPMed 0.00076; ESP Exome Variant Server 0.00077.
gnomAD v4.1: 1,535 of 1,613,718 alleles (0.095%); highest among the groups gnomAD compares: Non-Finnish European, 0.12%; 1 homozygote.

Submissions (3):

CeGaT Center for Human Genetics Tuebingen
Classification: Likely benign. Last evaluated: 2026-09-01. Review status: criteria provided, single submitter. Criteria: CeGaT Center For Human Genetics Tuebingen Variant Classification Criteria Version 2. Collection method: clinical testing. Allele origin: germline. Affected: yes. Observed: 3 variant alleles.
Comment: PIGT: BP4, BP7

Labcorp Genetics (formerly Invitae), Labcorp
Classification: Likely benign for Multiple congenital anomalies-hypotonia-seizures syndrome 3. Last evaluated: 2025-09-24. Review status: criteria provided, single submitter. Criteria: Invitae Variant Classification Sherloc (09022015). Collection method: clinical testing. Allele origin: germline.

Blueprint Genetics
Classification: Likely benign. Last evaluated: 2024-10-28. Review status: criteria provided, single submitter. Criteria: ACMG Guidelines, 2015. Collection method: clinical testing. Allele origin: germline.